The following is an entry in ClinVar:

ClinVar aggregate classification (germline): Uncertain significance. Review status: criteria provided, multiple submitters, no conflicts (2 of 4 stars). 2 submissions from 2 submitters: Uncertain significance (2). Last evaluated 2025-03-08.

Conditions:
Aortic aneurysm, familial thoracic 12. Identifiers: MedGen C5676959, MONDO:0030731, OMIM 619825.

Allele frequency attached by ClinVar (database versions not stated): gnomAD 0.00005; gnomAD exomes 0.00005 and 0.00009; ExAC 0.00006; ESP Exome Variant Server 0.00008; TOPMed 0.00011.
gnomAD v4.1: 144 of 1,613,592 alleles (0.0089%); highest among the groups gnomAD compares: Non-Finnish European, 0.011%; 1 homozygote.

Submissions (2):

Ambry Genetics
Classification: Uncertain significance. Last evaluated: 2025-03-08. Review status: criteria provided, single submitter. Criteria: Ambry Variant Classification Scheme 2023. Collection method: clinical testing. Allele origin: germline.

Victorian Clinical Genetics Services, Murdoch Childrens Research Institute
Classification: Uncertain significance for Aortic aneurysm, familial thoracic 12. Last evaluated: 2022-06-24. Review status: criteria provided, single submitter. Criteria: ACMG Guidelines, 2015. Collection method: clinical testing. Allele origin: germline. Inheritance: Autosomal dominant inheritance. Affected: yes.
Comment: Based on the classification scheme VCGS_Germline_v1.3.4, this variant is classified as VUS-3C. Following criteria are met: 0102 - Loss of function is a known mechanism of disease in this gene and is associated with familial thoracic aortic aneurysm 12 (MIM#619825). (I) 0107 - This gene is associated with autosomal dominant disease. (I) 0200 - Variant is predicted to result in a missense amino acid change from arginine to tryptophan. (I) 0251 - This variant is heterozygous. (I) 0302 - Variant is present in gnomAD <0.001 for a dominant condition (v2 & v3; 21 heterozygotes, 0 homozygotes). (SP) 0309 - An alternative amino acid change at the same position has been observed in gnomAD (v2; 11 heterozygotes, 0 homozygotes). (I) 0501 - Missense variant consistently predicted to be damaging by multiple in silico tools or highly conserved with a major amino acid change. (SP) 0600 - Variant is located in the annotated Thrombospondin type 1 domain (DECIPHER). (I) 0705 - No comparable missense variants have previous evidence for pathogenicity. (I) 0807 - This variant has no previous evidence of pathogenicity. (I) 0905 - No published segregation evidence has been identified for this variant. (I) 1007 - No published functional evidence has been identified for this variant. (I) 1208 - Inheritance information for this variant is not currently available in this individual. (I) Legend: (SP) - Supporting pathogenic, (I) - Information, (SB) - Supporting benign

NM_024817.3(THSD4):c.2443C>T (p.Arg815Trp)

Gene: THSD4 (thrombospondin type 1 domain containing 4; plus strand). Cytogenetic location: 15q23.
Variant type: single nucleotide variant.
Coding change: c.2443C>T on transcript NM_024817.3 (MANE Select); coding-DNA position 2443, C replaced by T.
Protein change: p.Arg815Trp; replaces arginine 815 with tryptophan.
Molecular consequence: missense variant.
Genome position (GRCh38, 1-based): chr15:71,757,929, C>T. VCF-style: chr15-71757929-C-T. GRCh37 (hg19) VCF-style: chr15-72050268-C-T.
Other names: c.1363C>T, p.Arg455Trp (NM_001286429.2); c.2443C>T, p.Arg815Trp (NM_001394532.1); short protein forms R455W, R815W.
Identifiers: ClinVar variation 1699438 (VCV001699438.6), dbSNP rs367982245, ClinGen allele CA7639930.
Genomic context (GRCh38, chr15:71,757,929, plus strand): 5'-TCCTGACTAATGTGCCCTTCCCCTGTCTCACAGTGCTCAGCGGAGTGTGGGGCCGGAGTG[C>T]GGACACGCTCGGTGGTGTGCATGACCAACCATGTCAGCAGCCTGCCCCTGGAGGGCTGTG-3'
Protein context (NP_079093.2, residues 805-825): RCSAECGAGV[Arg815Trp]TRSVVCMTNH